The following is an entry in ClinVar:

ClinVar aggregate classification (germline): Conflicting classifications of pathogenicity. Review status: criteria provided, conflicting classifications (1 of 4 stars). 8 submissions from 6 submitters: Uncertain significance (1); Benign (3); Likely benign (3). 1 of the submissions does not count toward it. Last evaluated 2026-01-28.

Conditions:
Usher syndrome type 1 (USH1). Also called: RETINITIS PIGMENTOSA AND CONGENITAL DEAFNESS. Identifiers: Orphanet 231169, Orphanet 886, MedGen C1568247, MONDO:0010168, OMIM 276900.
Autosomal dominant nonsyndromic hearing loss 11. Identifiers: Orphanet 90635, MedGen C1832475, MONDO:0011032, OMIM 601317.
Usher syndrome type 1B (USH1B). Also called: Usher syndrome type IB. Identifiers: MedGen C1848638, MONDO:0700087.
Autosomal recessive nonsyndromic hearing loss 2. Also called: DEAFNESS, AUTOSOMAL RECESSIVE 2; NEUROSENSORY NONSYNDROMIC RECESSIVE DEAFNESS 2. Identifiers: Orphanet 90636, MedGen C1838701, MONDO:0010807, OMIM 600060.

Allele frequency attached by ClinVar (database versions not stated): gnomAD exomes 0.00032 and 0.00075; ExAC 0.00104; gnomAD 0.00277 and 0.00295; TOPMed 0.00294; 1000 Genomes Project 0.00339; 1000 Genomes Project 30x 0.00359; ESP Exome Variant Server 0.00366.
gnomAD v4.1: 882 of 1,613,048 alleles (0.055%); highest among the groups gnomAD compares: African/African-American, 1.1%; 7 homozygotes.

Submissions (8):

Labcorp Genetics (formerly Invitae), Labcorp
Classification: Benign. Last evaluated: 2026-01-28. Review status: criteria provided, single submitter. Criteria: Invitae Variant Classification Sherloc (09022015). Collection method: clinical testing. Allele origin: germline.

Blueprint Genetics
Classification: Likely benign. Last evaluated: 2024-10-21. Review status: criteria provided, single submitter. Criteria: ACMG Guidelines, 2015. Collection method: clinical testing. Allele origin: germline.

GeneDx
Classification: Likely benign. Last evaluated: 2020-06-30. Review status: criteria provided, single submitter. Criteria: GeneDx Variant Classification Process June 2021. Collection method: clinical testing. Allele origin: germline. Affected: yes.

Illumina Laboratory Services, Illumina
Classification: Uncertain significance for Autosomal recessive nonsyndromic hearing loss 2. Last evaluated: 2018-01-12. Review status: criteria provided, single submitter. Criteria: ICSL Variant Classification Criteria 13 December 2019. Collection method: clinical testing. Allele origin: germline.

Illumina Laboratory Services, Illumina
Classification: Benign for Autosomal dominant nonsyndromic hearing loss 11. Last evaluated: 2018-01-12. Review status: criteria provided, single submitter. Criteria: ICSL Variant Classification Criteria 13 December 2019. Collection method: clinical testing. Allele origin: germline.
Comment: This variant was observed in the ICSL laboratory as part of a predisposition screen in an ostensibly healthy population. It had not been previously curated by ICSL or reported in the Human Gene Mutation Database (HGMD: prior to June 1st, 2018), and was therefore a candidate for classification through an automated scoring system. Utilizing variant allele frequency, disease prevalence and penetrance estimates, and inheritance mode, an automated score was calculated to assess if this variant is too frequent to cause the disease. Based on the score and internal cut-off values, a variant classified as benign is not then subjected to further curation. The score for this variant resulted in a classification of benign for this disease.

Illumina Laboratory Services, Illumina
Classification: Likely benign for Usher syndrome type 1. Last evaluated: 2018-01-12. Review status: criteria provided, single submitter. Criteria: ICSL Variant Classification Criteria 13 December 2019. Collection method: clinical testing. Allele origin: germline.
Comment: This variant was observed in the ICSL laboratory as part of a predisposition screen in an ostensibly healthy population. It had not been previously curated by ICSL or reported in the Human Gene Mutation Database (HGMD: prior to June 1st, 2018), and was therefore a candidate for classification through an automated scoring system. Utilizing variant allele frequency, disease prevalence and penetrance estimates, and inheritance mode, an automated score was calculated to assess if this variant is too frequent to cause the disease. Based on the score and internal cut-off values, a variant classified as likely benign is not then subjected to further curation. The score for this variant resulted in a classification of likely benign for this disease.

Laboratory for Molecular Medicine, Mass General Brigham Personalized Medicine
Classification: Benign. Last evaluated: 2012-05-14. Review status: criteria provided, single submitter. Criteria: LMM Criteria. Collection method: clinical testing. Allele origin: germline. Observed: 6 variant alleles.
Comment: Thr1566Thr in Exon 35 of MYO7A: This variant is not expected to have clinical si gnificance because it does not alter an amino acid residue, is not located withi n the splice consensus sequence, and has been identified in 1.1% (39/3500) of Af rican American chromosomes from a broad population by the NHLBI Exome Sequencing Project.

Natera, Inc.
Classification: Likely benign for Usher syndrome type 1B. Last evaluated: 2019-12-04. Review status: no assertion criteria provided. Collection method: clinical testing. Allele origin: germline. Not counted in ClinVar's aggregate classification.

NM_000260.4(MYO7A):c.4698G>A (p.Thr1566=)

Gene: MYO7A (myosin VIIA; plus strand). Cytogenetic location: 11q13.5.
Variant type: single nucleotide variant.
Coding change: c.4698G>A on transcript NM_000260.4 (MANE Select); coding-DNA position 4698, G replaced by A.
Protein change: p.Thr1566=; no amino-acid change (threonine 1566 retained).
Molecular consequence: synonymous variant.
Genome position (GRCh38, 1-based): chr11:77,199,664, G>A. VCF-style: chr11-77199664-G-A. GRCh37 (hg19) VCF-style: chr11-76910709-G-A.
Other names: c.4584G>A, p.Thr1528= (NM_001127180.2); c.4551G>A, p.Thr1517= (NM_001369365.1).
Identifiers: ClinVar variation 43255 (VCV000043255.23), dbSNP rs200207753, ClinGen allele CA132347.
Genomic context (GRCh38, chr11:77,199,664, plus strand): 5'-AGGACTGACCCCGGCGGGGCCCTGTTCTCCGTGTTGGTCCTGCAGGGGAGCGAAAACGAC[G>A]GCCCCCAGCTTCACGCTGGCCACCATCAAGGGGGACGAATACACCTTCACCTCCAGCAAT-3'
Protein context (NP_000251.3, residues 1556-1576): PCWSCRGAKT[Thr1566=]APSFTLATIK